The following is an entry in ClinVar:

NM_001371928.1(AHDC1):c.1996C>G (p.Arg666Gly)

Gene: AHDC1 (AT-hook DNA binding motif containing 1; minus strand). Cytogenetic location: 1p36.11.
Variant type: single nucleotide variant.
Coding change: c.1996C>G on transcript NM_001371928.1 (MANE Select); coding-DNA position 1996, C replaced by G.
Protein change: p.Arg666Gly; replaces arginine 666 with glycine.
Molecular consequence: missense variant.
Genome position (GRCh38, 1-based): chr1:27,550,120, G>C on the plus strand (C>G on the coding strand, the complement: AHDC1 is on the minus strand). VCF-style: chr1-27550120-G-C. GRCh37 (hg19) VCF-style: chr1-27876631-G-C.
Other names: c.1996C>G, p.Arg666Gly (NM_001029882.3); short protein forms R666G.
Identifiers: ClinVar variation 2076537 (VCV002076537.4), dbSNP rs571016988, ClinGen allele CA715854.

ClinVar aggregate classification (germline): Uncertain significance (1 of 4 stars; one submission).

gnomAD v4.1: 20 of 1,610,254 alleles (0.0012%); highest among the groups gnomAD compares: Admixed American, 0.032%; no homozygotes.

Submission:

Labcorp Genetics (formerly Invitae), Labcorp
Classification: Uncertain significance. Last evaluated: 2025-06-27. Review status: criteria provided, single submitter. Criteria: Invitae Variant Classification Sherloc (09022015). Collection method: clinical testing. Allele origin: germline.
Comment: This sequence change replaces arginine, which is basic and polar, with glycine, which is neutral and non-polar, at codon 666 of the AHDC1 protein (p.Arg666Gly). This variant is present in population databases (rs571016988, gnomAD 0.02%). This variant has not been reported in the literature in individuals affected with AHDC1-related conditions. ClinVar contains an entry for this variant (Variation ID: 2076537). An algorithm developed to predict the effect of missense changes on protein structure and function (PolyPhen-2) suggests that this variant is likely to be tolerated. In summary, the available evidence is currently insufficient to determine the role of this variant in disease. Therefore, it has been classified as a Variant of Uncertain Significance.